The following is an entry in ClinVar:

NM_006736.6(DNAJB2):c.520G>T (p.Val174Phe)

Gene: DNAJB2 (DnaJ heat shock protein family (Hsp40) member B2; plus strand). Cytogenetic location: 2q35.
Variant type: single nucleotide variant.
Coding change: c.520G>T on transcript NM_006736.6 (MANE Select); coding-DNA position 520, G replaced by T.
Protein change: p.Val174Phe; replaces valine 174 with phenylalanine.
Molecular consequence: missense variant.
Genome position (GRCh38, 1-based): chr2:219,283,207, G>T. VCF-style: chr2-219283207-G-T. GRCh37 (hg19) VCF-style: chr2-220147929-G-T.
Other names: c.520G>T, p.Val174Phe (NM_001039550.2); short protein forms V174F.
Identifiers: ClinVar variation 1345374 (VCV001345374.8), dbSNP rs2125082980, ClinGen allele CA350650461.
Genomic context (GRCh38, chr2:219,283,207, plus strand): 5'-TCTTTCTCCTTCAGTCCTGGGGCTGGTGCTTTTCGCTCTGTTTCTACATCTACCACCTTT[G>T]TCCAAGGACGCCGCATCACCACACGCAGGTGAGAGCTCCTTCTGGGGCCATAGAGGGGTG-3'
Protein context (NP_006727.2, residues 164-184): FRSVSTSTTF[Val174Phe]QGRRITTRRI

ClinVar aggregate classification (germline): Uncertain significance (1 of 4 stars; one submission).

Conditions:
Neuronopathy, distal hereditary motor, autosomal recessive 5. Also called: Young adult-onset distal hereditary motor neuropathy; NEUROPATHY, DISTAL HEREDITARY MOTOR, AUTOSOMAL RECESSIVE 5; Spinal muscular atrophy, distal, autosomal recessive, 5. Identifiers: Orphanet 314485, Orphanet 443950, MedGen C4749918, MONDO:0013947, OMIM 614881.

Submission:

Labcorp Genetics (formerly Invitae), Labcorp
Classification: Uncertain significance for Neuronopathy, distal hereditary motor, autosomal recessive 5. Last evaluated: 2021-04-14. Review status: criteria provided, single submitter. Criteria: Invitae Variant Classification Sherloc (09022015). Collection method: clinical testing. Allele origin: germline.
Comment: This variant has not been reported in the literature in individuals with DNAJB2-related conditions. This sequence change replaces valine with phenylalanine at codon 174 of the DNAJB2 protein (p.Val174Phe). The valine residue is highly conserved and there is a small physicochemical difference between valine and phenylalanine. This variant is not present in population databases (ExAC no frequency). Algorithms developed to predict the effect of missense changes on protein structure and function are either unavailable or do not agree on the potential impact of this missense change (SIFT: "Deleterious"; PolyPhen-2: "Possibly Damaging"; Align-GVGD: "Class C0"). In summary, the available evidence is currently insufficient to determine the role of this variant in disease. Therefore, it has been classified as a Variant of Uncertain Significance.